The following is an entry in ClinVar:

NM_021942.6(TRAPPC11):c.142C>T (p.Arg48Ter)

Gene: TRAPPC11 (trafficking protein particle complex subunit 11; plus strand). Cytogenetic location: 4q35.1.
Variant type: single nucleotide variant.
Coding change: c.142C>T on transcript NM_021942.6 (MANE Select); coding-DNA position 142, C replaced by T.
Protein change: p.Arg48Ter; replaces arginine 48 with a stop codon.
Molecular consequence: nonsense.
Genome position (GRCh38, 1-based): chr4:183,664,009, C>T. VCF-style: chr4-183664009-C-T. GRCh37 (hg19) VCF-style: chr4-184585162-C-T.
Other names: c.142C>T, p.Arg48Ter (NM_199053.3); short protein forms R48*.
Identifiers: ClinVar variation 375391 (VCV000375391.10), dbSNP rs150331292, ClinGen allele CA16044220.

ClinVar aggregate classification (germline): Pathogenic. Review status: criteria provided, multiple submitters, no conflicts (2 of 4 stars). 3 submissions from 3 submitters: Pathogenic (2). 1 of the submissions does not count toward it. Last evaluated 2025-08-25.

Conditions:
Autosomal recessive limb-girdle muscular dystrophy. Identifiers: Orphanet 102015, MedGen C2931907, MONDO:0015152.
Autosomal recessive limb-girdle muscular dystrophy type R18 (LGMDR18). Also called: Limb-girdle muscular dystrophy, type 2S; Autosomal recessive limb-girdle muscular dystrophy type 2S; MUSCULAR DYSTROPHY, LIMB-GIRDLE, AUTOSOMAL RECESSIVE 18. Identifiers: Orphanet 369840, MedGen C4517996, MONDO:0014144, OMIM 615356.

Allele frequency attached by ClinVar (database versions not stated): ESP Exome Variant Server 0.00008.
gnomAD v4.1: 6 of 1,613,860 alleles (0.00037%); highest among the groups gnomAD compares: East Asian, 0.0022%; no homozygotes.

Submissions (3):

Labcorp Genetics (formerly Invitae), Labcorp
Classification: Pathogenic for Autosomal recessive limb-girdle muscular dystrophy type R18. Last evaluated: 2025-08-25. Review status: criteria provided, single submitter. Criteria: Invitae Variant Classification Sherloc (09022015). Collection method: clinical testing. Allele origin: germline.
Comment: This sequence change creates a premature translational stop signal (p.Arg48*) in the TRAPPC11 gene. It is expected to result in an absent or disrupted protein product. Loss-of-function variants in TRAPPC11 are known to be pathogenic (PMID: 23830518, 26322222). This variant is present in population databases (rs150331292, gnomAD 0.003%). This premature translational stop signal has been observed in individual(s) with TRAPPC11-related conditions (PMID: 28327206). In at least one individual the data is consistent with being in trans (on the opposite chromosome) from a pathogenic variant. ClinVar contains an entry for this variant (Variation ID: 375391). For these reasons, this variant has been classified as Pathogenic.

Women's Health and Genetics/Laboratory Corporation of America, LabCorp
Classification: Pathogenic for Autosomal recessive limb-girdle muscular dystrophy. Last evaluated: 2024-11-27. Review status: criteria provided, single submitter. Criteria: LabCorp Variant Classification Summary - May 2015. Collection method: clinical testing. Allele origin: germline.
Comment: Variant summary: TRAPPC11 c.142C>T (p.Arg48X) results in a premature termination codon, predicted to cause a truncation of the encoded protein or absence of the protein due to nonsense mediated decay, which are commonly known mechanisms for disease. The variant allele was found at a frequency of 4e-06 in 251478 control chromosomes. c.142C>T has been reported in the literature in at least one compound heterozygous individual affected with Limb-Girdle Muscular Dystrophy, Autosomal Recessive (e.g. Wang_2018). To our knowledge, no experimental evidence demonstrating an impact on protein function has been reported. The following publication has been ascertained in the context of this evaluation (PMID: 30105108). ClinVar contains an entry for this variant (Variation ID: 375391). Based on the evidence outlined above, the variant was classified as pathogenic.

Lupski Lab, Baylor-Hopkins CMG, Baylor College of Medicine
Classification: Pathogenic for Autosomal recessive limb-girdle muscular dystrophy type R18. Review status: no assertion criteria provided. Collection method: research. Allele origin: germline. Inheritance: Autosomal recessive inheritance. Affected: yes. Not counted in ClinVar's aggregate classification.

Literature cited by the submitters: PubMed 23830518 (cited by Labcorp Genetics (formerly Invitae), Labcorp); PubMed 26322222 (cited by Labcorp Genetics (formerly Invitae), Labcorp); PubMed 28327206 (cited by Labcorp Genetics (formerly Invitae), Labcorp); PubMed 30105108 (cited by Women's Health and Genetics/Laboratory Corporation of America, LabCorp).